The following is an entry in ClinVar:

ClinVar aggregate classification (germline): Likely benign (1 of 4 stars; one submission).

Allele frequency attached by ClinVar (database versions not stated): ExAC 0.00059.

Submission:

CeGaT Center for Human Genetics Tuebingen
Classification: Likely benign. Last evaluated: 2022-11-01. Review status: criteria provided, single submitter. Criteria: CeGaT Center For Human Genetics Tuebingen Variant Classification Criteria Version 2. Collection method: clinical testing. Allele origin: germline. Affected: yes. Observed: 1 variant allele.
Comment: CKMT1A: BP4, BP7

NM_001321926.2(CKMT1A):c.1209C>G (p.Gly403=)

Gene: CKMT1A (creatine kinase, mitochondrial 1A; plus strand). Cytogenetic location: 15q15.3.
Variant type: single nucleotide variant.
Coding change: c.1209C>G on transcript NM_001321926.2 (MANE Select); coding-DNA position 1209, C replaced by G.
Protein change: p.Gly403=; no amino-acid change (glycine 403 retained).
Molecular consequence: synonymous variant. On other transcripts: non-coding transcript variant (1).
Genome position (GRCh38, 1-based): chr15:43,699,044, C>G. VCF-style: chr15-43699044-C-G. GRCh37 (hg19) VCF-style: chr15-43991242-C-G.
Other names: c.1209C>G, p.Gly403= (NM_001015001.2); c.1302C>G, p.Gly434= (NM_001321927.1, NM_001321928.1); c.732C>G, p.Gly244= (NM_001321929.1).
Identifiers: ClinVar variation 2645280 (VCV002645280.24), dbSNP rs138484504, ClinGen allele CA7529414.